The following is an entry in ClinVar:

ClinVar aggregate classification (germline): Uncertain significance (1 of 4 stars; one submission).

Conditions:
Aicardi-Goutieres syndrome 7 (AGS7). Identifiers: Orphanet 51, MedGen C3888244, MONDO:0014367, OMIM 615846.
Singleton-Merten syndrome 1 (SGMRT1). Also called: Widened medullary cavities of bone, aortic calcification, abnormal dentition, and muscular weakness; Syndrome of widened medullary cavities of the metacarpals and phalanges, aortic calcification and abnormal dentition. Identifiers: Orphanet 85191, MedGen C4225427, MONDO:0024535, OMIM 182250.

Allele frequency attached by ClinVar (database versions not stated): gnomAD exomes below 0.00001.

Submission:

Labcorp Genetics (formerly Invitae), Labcorp
Classification: Uncertain significance for Aicardi-Goutieres syndrome 7; Singleton-Merten syndrome 1. Last evaluated: 2022-08-31. Review status: criteria provided, single submitter. Criteria: Invitae Variant Classification Sherloc (09022015). Collection method: clinical testing. Allele origin: germline.
Comment: In summary, the available evidence is currently insufficient to determine the role of this variant in disease. Therefore, it has been classified as a Variant of Uncertain Significance. ClinVar contains an entry for this variant (Variation ID: 573330). Algorithms developed to predict the effect of missense changes on protein structure and function output the following: SIFT: "Tolerated"; PolyPhen-2: "Benign"; Align-GVGD: "Class C0". The arginine amino acid residue is found in multiple mammalian species, which suggests that this missense change does not adversely affect protein function. This variant has not been reported in the literature in individuals affected with IFIH1-related conditions. This variant is not present in population databases (gnomAD no frequency). This sequence change replaces glutamine, which is neutral and polar, with arginine, which is basic and polar, at codon 195 of the IFIH1 protein (p.Gln195Arg).

NM_022168.4(IFIH1):c.584A>G (p.Gln195Arg)

Gene: IFIH1 (interferon induced with helicase C domain 1; minus strand). Cytogenetic location: 2q24.2.
Variant type: single nucleotide variant.
Coding change: c.584A>G on transcript NM_022168.4 (MANE Select); coding-DNA position 584, A replaced by G.
Protein change: p.Gln195Arg; replaces glutamine 195 with arginine.
Molecular consequence: missense variant.
Genome position (GRCh38, 1-based): chr2:162,310,803, T>C on the plus strand (A>G on the coding strand, the complement: IFIH1 is on the minus strand). VCF-style: chr2-162310803-T-C. GRCh37 (hg19) VCF-style: chr2-163167313-T-C.
Other names: c.584A>G, p.Gln195Arg (LRG_1235t1); short protein forms Q195R.
Identifiers: ClinVar variation 573330 (VCV000573330.8), dbSNP rs1558876231, ClinGen allele CA349010817.